The following is an entry in ClinVar:

NM_016734.3(PAX5):c.359C>T (p.Ala120Val)

Gene: PAX5 (paired box 5; minus strand). Cytogenetic location: 9p13.2.
Variant type: single nucleotide variant.
Coding change: c.359C>T on transcript NM_016734.3 (MANE Select); coding-DNA position 359, C replaced by T.
Protein change: p.Ala120Val; replaces alanine 120 with valine.
Molecular consequence: missense variant. On other transcripts: non-coding transcript variant (2), intron variant (1).
Genome position (GRCh38, 1-based): chr9:37,015,048, G>A on the plus strand (C>T on the coding strand, the complement: PAX5 is on the minus strand). VCF-style: chr9-37015048-G-A. GRCh37 (hg19) VCF-style: chr9-37015045-G-A.
Other names: c.359C>T, p.Ala120Val (NM_001280549.2, NM_001280550.2, NM_001280552.2 and 4 more transcripts); c.35C>T, p.Ala12Val (NM_001280551.2, NM_001280556.2); c.212+5588C>T (NM_001280555.2); short protein forms A12V, A120V.
Identifiers: ClinVar variation 4131403 (VCV004131403.1).

ClinVar aggregate classification (germline): Uncertain significance (1 of 4 stars; one submission).

Conditions:
Inborn genetic diseases. Identifiers: MedGen C0950123, MeSH D030342.

Submission:

Ambry Genetics
Classification: Uncertain significance for Inborn genetic diseases. Last evaluated: 2025-07-03. Review status: criteria provided, single submitter. Criteria: Ambry Variant Classification Scheme 2023. Collection method: clinical testing. Allele origin: germline.
Comment: The p.A120V variant (also known as c.359C>T), located in coding exon 3 of the PAX5 gene, results from a C to T substitution at nucleotide position 359. The alanine at codon 120 is replaced by valine, an amino acid with similar properties. This amino acid position is conserved. In addition, this alteration is predicted to be deleterious by in silico analysis. Based on the available evidence, the clinical significance of this variant remains unclear.